The following is an entry in ClinVar:

NM_006096.4(NDRG1):c.807+1G>T

Genes: NDRG1 (N-myc downstream regulated 1; minus strand), LOC126860531 (CDK7 strongly-dependent group 2 enhancer GRCh37_chr8:134259869-134261068; plus strand). Cytogenetic location: 8q24.22.
Variant type: single nucleotide variant.
Coding change: c.807+1G>T on transcript NM_006096.4 (MANE Select); the canonical splice donor site of the intron after coding-DNA position 807, G replaced by T.
Molecular consequence: splice donor variant.
Genome position (GRCh38, 1-based): chr8:133,247,874, C>A on the plus strand (G>T on the coding strand, the complement: NDRG1 is on the minus strand). VCF-style: chr8-133247874-C-A. GRCh37 (hg19) VCF-style: chr8-134260117-C-A.
Other names: c.609+1G>T (NM_001258432.2, NM_001374847.1); c.564+1G>T (NM_001258433.2); c.858+1G>T (NM_001374844.1); c.807+1G>T (NM_001135242.2, NM_001374845.1, NM_001374846.1).
Identifiers: ClinVar variation 3731298 (VCV003731298.2).

ClinVar aggregate classification (germline): Uncertain significance (1 of 4 stars; one submission).

Conditions:
Charcot-Marie-Tooth disease type 4D. Also called: CHARCOT-MARIE-TOOTH DISEASE, DEMYELINATING, TYPE 4D; NEUROPATHY, HEREDITARY MOTOR AND SENSORY, LOM TYPE; CHARCOT-MARIE-TOOTH DISEASE, DEMYELINATING, AUTOSOMAL RECESSIVE, TYPE 4D; Charcot-Marie-Tooth Neuropathy Type 4D. Identifiers: Orphanet 99950, MedGen C1832334, MONDO:0011085, OMIM 601455.

Submission:

Clinical Omics and Informatics (COIN) Unit, Neuroscience Institute, University Of Cape Town
Classification: Uncertain significance for Charcot-Marie-Tooth disease type 4D. Last evaluated: 2025-02-10. Review status: criteria provided, single submitter. Criteria: ACMG Guidelines, 2015. Collection method: research. Allele origin: germline. Inheritance: Autosomal recessive inheritance. Affected: yes. Observed: 1 variant allele, 1 compound heterozygote.
Comment: PM2_supporting: variant is absent from gnomAD v4.0 (adequate coverage >20X confirmed) and an internal database. PVS1 met: canonical GT-AG splice site variant predicted to cause exon skipping or use of a cryptic splice site which disrupts the reading frame and is predicted to undergo NMD. Exon is present in biologically-relevant transcript(s). This variant has not been confirmed in trans with the variant under assessment in the proband- 0 points. Sequencing funded by the International Centre for Genomic Medicine in Neuromuscular Diseases (ICGNMD).